The following is an entry in ClinVar:

ClinVar aggregate classification (germline): Likely pathogenic. Review status: criteria provided, single submitter (1 of 4 stars). 2 submissions from 2 submitters: Likely pathogenic (1). 1 of the submissions does not count toward it. Last evaluated 2024-05-22.

Conditions:
Congenital hyperammonemia, type I. Also called: Carbamoyl-phosphate synthase I deficiency; Carbamoyl phosphate synthetase I deficiency disease; Carbamoyl phosphate synthetase 1 deficiency; Hyperammonemia due to carbamoyl phosphate synthetase 1 deficiency; CPS 1 deficiency; Carbamyl phosphate synthetase (CPS) deficiency. Identifiers: Orphanet 147, MedGen C4082171, MONDO:0009376, OMIM 237300.

Allele frequency attached by ClinVar (database versions not stated): gnomAD exomes below 0.00001.
gnomAD v4.1: 1 of 1,611,580 alleles (0.000062%); highest among the groups gnomAD compares: Non-Finnish European, 0.000085%; no homozygotes.

Submissions (2):

Labcorp Genetics (formerly Invitae), Labcorp
Classification: Likely pathogenic for Congenital hyperammonemia, type I. Last evaluated: 2024-05-22. Review status: criteria provided, single submitter. Criteria: Invitae Variant Classification Sherloc (09022015). Collection method: clinical testing. Allele origin: germline.
Comment: This sequence change replaces glycine, which is neutral and non-polar, with aspartic acid, which is acidic and polar, at codon 436 of the CPS1 protein (p.Gly436Asp). This variant is not present in population databases (gnomAD no frequency). This missense change has been observed in individual(s) with carbamoyl phosphate synthetase I deficiency (Invitae). In at least one individual the data is consistent with being in trans (on the opposite chromosome) from a pathogenic variant. ClinVar contains an entry for this variant (Variation ID: 477849). Advanced modeling of protein sequence and biophysical properties (such as structural, functional, and spatial information, amino acid conservation, physicochemical variation, residue mobility, and thermodynamic stability) performed at Invitae indicates that this missense variant is expected to disrupt CPS1 protein function with a positive predictive value of 95%. In summary, the currently available evidence indicates that the variant is pathogenic, but additional data are needed to prove that conclusively. Therefore, this variant has been classified as Likely Pathogenic.

Natera, Inc.
Classification: Uncertain significance for Carbamoyl-phosphate synthase I deficiency. Last evaluated: 2021-05-07. Review status: no assertion criteria provided. Collection method: clinical testing. Allele origin: germline. Not counted in ClinVar's aggregate classification.

NM_001875.5(CPS1):c.1307G>A (p.Gly436Asp)

Gene: CPS1 (carbamoyl-phosphate synthase 1; plus strand). Cytogenetic location: 2q34.
Variant type: single nucleotide variant.
Coding change: c.1307G>A on transcript NM_001875.5 (MANE Select); coding-DNA position 1307, G replaced by A.
Protein change: p.Gly436Asp; replaces glycine 436 with aspartic acid.
Molecular consequence: missense variant. On other transcripts: non-coding transcript variant (2).
Genome position (GRCh38, 1-based): chr2:210,595,530, G>A. VCF-style: chr2-210595530-G-A. GRCh37 (hg19) VCF-style: chr2-211460254-G-A.
Other names: c.1307G>A (LRG_336t1); c.1307G>A, p.Gly436Asp (NM_001122633.3, NM_001369257.1); c.1340G>A, p.Gly447Asp (NM_001369256.1); short protein forms G436D, G447D.
Identifiers: ClinVar variation 477849 (VCV000477849.12), dbSNP rs1553511785, ClinGen allele CA350433114.
Genomic context (GRCh38, chr2:210,595,530, plus strand): 5'-TTTCTTATTGCTTATAGGTTTCCAAAGTCCTTATTCTAGGATCAGGAGGTCTGTCCATTG[G>A]TCAGGCTGGAGAATTTGATTACTCAGGATCTCAAGCTGTAAAAGCCATGAAGGTGAGAGA-3'
Protein context (NP_001866.2, residues 426-446): LILGSGGLSI[Gly436Asp]QAGEFDYSGS